The following is an entry in ClinVar:

NM_001104631.2(PDE4D):c.1814A>G (p.Tyr605Cys)

Gene: PDE4D (phosphodiesterase 4D; minus strand). Cytogenetic location: 5q11.2.
Variant type: single nucleotide variant.
Coding change: c.1814A>G on transcript NM_001104631.2 (MANE Select); coding-DNA position 1814, A replaced by G.
Protein change: p.Tyr605Cys; replaces tyrosine 605 with cysteine.
Molecular consequence: missense variant.
Genome position (GRCh38, 1-based): chr5:58,976,366, T>C on the plus strand (A>G on the coding strand, the complement: PDE4D is on the minus strand). VCF-style: chr5-58976366-T-C. GRCh37 (hg19) VCF-style: chr5-58272193-T-C.
Other names: c.1631A>G, p.Tyr544Cys (NM_001165899.2, NM_001364599.1); c.1622A>G, p.Tyr541Cys (NM_001197218.2); c.1448A>G, p.Tyr483Cys (NM_001197219.2); c.1424A>G, p.Tyr475Cys (NM_001197220.2); c.908A>G, p.Tyr303Cys (NM_001197221.2, NM_001364603.1); c.1142A>G, p.Tyr381Cys (NM_001197222.2); c.941A>G, p.Tyr314Cys (NM_001197223.2); c.1601A>G, p.Tyr534Cys (NM_001349241.2); and 3 more; short protein forms Y544C, Y605C, Y349C, Y475C, Y495C, Y541C, Y303C, Y381C.
Identifiers: ClinVar variation 546176 (VCV000546176.2), dbSNP rs1554033904, ClinGen allele CA359814599.

ClinVar aggregate classification (germline): Likely pathogenic (1 of 4 stars; one submission).

Submission:

GeneDx
Classification: Likely pathogenic. Last evaluated: 2018-05-09. Review status: criteria provided, single submitter. Criteria: GeneDx Variant Classification (06012015). Collection method: clinical testing. Allele origin: germline. Affected: yes.
Comment: The Y605C variant in the PDE4D gene has not been reported previously as a pathogenic variant, nor as a benign variant, to our knowledge. The Y605C variant is not observed in large population cohorts (Lek et al., 2016). The Y605C variant is a non-conservative amino acid substitution, which is likely to impact secondary protein structure as these residues differ in polarity, charge, size and/or other properties. In-silico analyses, including protein predictors and evolutionary conservation, support a deleterious effect. We interpret Y605C as a likely pathogenic variant.